The following is an entry in ClinVar:

NM_000218.3(KCNQ1):c.804C>A (p.Ile268=)

Gene: KCNQ1 (potassium voltage-gated channel subfamily Q member 1; plus strand). Cytogenetic location: 11p15.5.
Variant type: single nucleotide variant.
Coding change: c.804C>A on transcript NM_000218.3 (MANE Select); coding-DNA position 804, C replaced by A.
Protein change: p.Ile268=; no amino-acid change (isoleucine 268 retained).
Molecular consequence: synonymous variant. On other transcripts: intron variant (1).
Genome position (GRCh38, 1-based): chr11:2,572,869, C>A. VCF-style: chr11-2572869-C-A. GRCh37 (hg19) VCF-style: chr11-2594099-C-A.
Other names: c.804C>A, p.Ile268= (NM_001406836.1); c.534C>A, p.Ile178= (NM_001406837.1); c.423C>A, p.Ile141= (NM_181798.2); c.478-10566C>A (NM_001406838.1).
Identifiers: ClinVar variation 1525380 (VCV001525380.12), dbSNP rs373227792, ClinGen allele CA472038139.

ClinVar aggregate classification (germline): Conflicting classifications of pathogenicity. Review status: criteria provided, conflicting classifications (1 of 4 stars). 3 submissions from 3 submitters: Uncertain significance (2); Likely benign (1). Last evaluated 2025-01-13.

Conditions:
Long QT syndrome (LQTS). Identifiers: MedGen C0023976, MeSH D008133, MONDO:0002442. Disease mechanism: loss of function. Inheritance: Various modes of inheritance.
Cardiac arrhythmia. Also called: Cardiac rhythm disease; Arrhythmia. Identifiers: MedGen C0003811, MONDO:0007263, HP:0011675.

gnomAD v4.1: 1 of 1,613,826 alleles (0.000062%); highest among the groups gnomAD compares: Non-Finnish European, 0.000085%; no homozygotes.

Submissions (3):

Labcorp Genetics (formerly Invitae), Labcorp
Classification: Likely benign for Long QT syndrome. Last evaluated: 2025-01-13. Review status: criteria provided, single submitter. Criteria: Invitae Variant Classification Sherloc (09022015). Collection method: clinical testing. Allele origin: germline.

All of Us Research Program, National Institutes of Health
Classification: Uncertain significance for Long QT syndrome. Last evaluated: 2023-04-03. Review status: criteria provided, single submitter. Criteria: ACMG Guidelines, 2015. Collection method: clinical testing. Allele origin: germline. Inheritance: Autosomal dominant inheritance. Observed: 1 variant allele, 1 heterozygote.
Comment: This synonymous variant does not change the amino acid sequence of the KCNQ1 protein. Splice site prediction tools suggest that this variant may impact RNA splicing. To our knowledge, RNA studies have not been reported for this variant. This variant has not been reported in individuals affected with KCNQ1-related disorders in the literature. This variant has not been identified in the general population by the Genome Aggregation Database (gnomAD). The available evidence is insufficient to determine the role of this variant in disease conclusively. Therefore, this variant is classified as a Variant of Uncertain Significance.

This study involves interpretation of variants in research participants for the purpose of population health screening. Participant phenotype was not available at the time of variant classification. Additional details can be found in publication PMID: 35346344, PMCID: PMC8962531

Color Diagnostics, LLC DBA Color Health
Classification: Uncertain significance for Cardiac arrhythmia. Last evaluated: 2023-02-06. Review status: criteria provided, single submitter. Criteria: ACMG Guidelines, 2015. Collection method: clinical testing. Allele origin: germline.
Comment: This synonymous variant does not change the amino acid sequence of the KCNQ1 protein. Splice site prediction tools suggest that this variant may impact RNA splicing. To our knowledge, RNA studies have not been reported for this variant. This variant has not been reported in individuals affected with KCNQ1-related disorders in the literature. This variant has not been identified in the general population by the Genome Aggregation Database (gnomAD). The available evidence is insufficient to determine the role of this variant in disease conclusively. Therefore, this variant is classified as a Variant of Uncertain Significance.